The following is an entry in ClinVar:

ClinVar aggregate classification (germline): Benign. Review status: criteria provided, multiple submitters, no conflicts (2 of 4 stars). 3 submissions from 3 submitters: Benign (3). Last evaluated 2018-10-27.

Conditions:
Erythrokeratodermia variabilis et progressiva 1 (EKVP1). Also called: ERYTHROKERATODERMIA FIGURATA, CONGENITAL FAMILIAL, IN PLAQUES; ERYTHROKERATODERMIA VARIABILIS WITH ERYTHEMA GYRATUM REPENS; ERYTHROKERATODERMIA, PROGRESSIVE SYMMETRIC. Identifiers: Orphanet 317, MedGen C4551486, MONDO:0033010, OMIM 133200.

Allele frequency attached by ClinVar (database versions not stated): gnomAD exomes 0.17156; gnomAD 0.19529 and 0.19858; TOPMed 0.19763; 1000 Genomes Project 30x 0.20472; 1000 Genomes Project 0.21286.

Submissions (3):

GeneDx
Classification: Benign. Last evaluated: 2018-10-27. Review status: criteria provided, single submitter. Criteria: GeneDx Variant Classification Process June 2021. Collection method: clinical testing. Allele origin: germline. Affected: yes.

Illumina Laboratory Services, Illumina
Classification: Benign for Erythrokeratodermia variabilis et progressiva 1. Last evaluated: 2018-01-13. Review status: criteria provided, single submitter. Criteria: ICSL Variant Classification Criteria 13 December 2019. Collection method: clinical testing. Allele origin: germline.
Comment: This variant was observed in the ICSL laboratory as part of a predisposition screen in an ostensibly healthy population. It had not been previously curated by ICSL or reported in the Human Gene Mutation Database (HGMD: prior to June 1st, 2018), and was therefore a candidate for classification through an automated scoring system. Utilizing variant allele frequency, disease prevalence and penetrance estimates, and inheritance mode, an automated score was calculated to assess if this variant is too frequent to cause the disease. Based on the score and internal cut-off values, a variant classified as benign is not then subjected to further curation. The score for this variant resulted in a classification of benign for this disease.

Breakthrough Genomics
Classification: Benign. Review status: criteria provided, single submitter. Criteria: ACMG Guidelines, 2015. Collection method: not provided. Allele origin: germline. Inheritance: Autosomal dominant inheritance. Affected: yes.

NM_024009.3(GJB3):c.*559G>C

Gene: GJB3 (gap junction protein beta 3; plus strand). Cytogenetic location: 1p34.3.
Variant type: single nucleotide variant.
Coding change: c.*559G>C on transcript NM_024009.3 (MANE Select); 559 bases downstream of the stop codon, G replaced by C.
Molecular consequence: 3 prime UTR variant.
Genome position (GRCh38, 1-based): chr1:34,786,134, G>C. VCF-style: chr1-34786134-G-C. GRCh37 (hg19) VCF-style: chr1-35251735-G-C.
Other names: c.*559G>C (NM_001005752.2).
Identifiers: ClinVar variation 297210 (VCV000297210.8), dbSNP rs9118, ClinGen allele CA10610979.
Genomic context (GRCh38, chr1:34,786,134, plus strand): 5'-TGGAGAGGAGGTCTTCCAGCAGCAGCAGGTCTGGAGGGCTGAGAATGAACCTGACTAGAG[G>C]TTCTGGAGATACCCAGAGGTCCCCCAGGTCATCACTTGGCTCAGTGGAAGCCCTCTTTCC-3'